The following is an entry in ClinVar:

NM_001164665.2(KIAA1549):c.1827del (p.Ser610fs)

Gene: KIAA1549 (KIAA1549; minus strand). Cytogenetic location: 7q34.
Variant type: Deletion.
Coding change: c.1827del on transcript NM_001164665.2 (MANE Select); coding-DNA position 1827, one base deleted (C; older notation c.1827delC).
Protein change: p.Ser610fs; shifts the reading frame from serine 610.
Molecular consequence: frameshift variant.
Genome position (GRCh38, 1-based): chr7:138,917,799, G deleted on the plus strand (C on the coding strand, the reverse complement: KIAA1549 is on the minus strand); the first of 2 consecutive G bases (chr7:138,917,799-138,917,800); deleting either gives the same sequence. VCF-style (leftmost placement, unchanged base first): chr7-138917798-TG-T. GRCh37 (hg19) VCF-style: chr7-138602544-TG-T.
Other names: c.1827del, p.Ser610fs (NM_020910.3); short protein forms S610fs.
Identifiers: ClinVar variation 2628030 (VCV002628030.2), dbSNP rs2485557946, ClinGen allele CA2695199639.

ClinVar aggregate classification (germline): Pathogenic (1 of 4 stars; one submission).

Conditions:
Retinitis pigmentosa 86. Identifiers: MedGen C5231428, MONDO:0032834, OMIM 618613.

Submission:

DBGen Ocular Genomics
Classification: Pathogenic for Retinitis pigmentosa 86. Last evaluated: 2023-01-01. Review status: criteria provided, single submitter. Criteria: ACMG Guidelines, 2015. Collection method: clinical testing. Allele origin: unknown. Inheritance: Autosomal recessive inheritance. Affected: yes.
Comment: Class 5 ACMG Guidelines, 2015 (PMID:25741868)